The following is an entry in ClinVar:

ClinVar aggregate classification (germline): Uncertain significance (1 of 4 stars; one submission).

gnomAD v4.1: 4 of 1,613,446 alleles (0.00025%); highest among the groups gnomAD compares: Non-Finnish European, 0.00034%; no homozygotes.

Submission:

GeneDx
Classification: Uncertain significance. Last evaluated: 2023-05-26. Review status: criteria provided, single submitter. Criteria: GeneDx Variant Classification Process June 2021. Collection method: clinical testing. Allele origin: germline. Affected: yes.
Comment: Not observed at significant frequency in large population cohorts (gnomAD); In silico analysis supports that this missense variant does not alter protein structure/function; Has not been previously published as pathogenic or benign to our knowledge

NM_054027.6(ANKH):c.1291G>C (p.Gly431Arg)

Genes: ANKH (ANKH inorganic pyrophosphate transport regulator; minus strand), OTULIN (OTU deubiquitinase with linear linkage specificity; plus strand), LOC100130744 (uncharacterized LOC100130744; plus strand). Cytogenetic location: 5p15.2.
Variant type: single nucleotide variant.
Coding change: c.1291G>C on transcript NM_054027.6 (MANE Select); coding-DNA position 1291, G replaced by C.
Protein change: p.Gly431Arg; replaces glycine 431 with arginine.
Molecular consequence: missense variant. On other transcripts: non-coding transcript variant (1).
Genome position (GRCh38, 1-based): chr5:14,712,948, C>G on the plus strand (G>C on the coding strand, the complement: ANKH is on the minus strand). VCF-style: chr5-14712948-C-G. GRCh37 (hg19) VCF-style: chr5-14713057-C-G.
Other names: short protein forms G431R.
Identifiers: ClinVar variation 3361955 (VCV003361955.1).